The following is an entry in ClinVar:

NM_000719.7(CACNA1C):c.3048+5G>A

Gene: CACNA1C (calcium voltage-gated channel subunit alpha1 C; plus strand). Cytogenetic location: 12p13.33.
Variant type: single nucleotide variant.
Coding change: c.3048+5G>A on transcript NM_000719.7 (MANE Select); 5 bases into the intron after coding-DNA position 3048, G replaced by A.
Molecular consequence: intron variant.
Genome position (GRCh38, 1-based): chr12:2,605,173, G>A. VCF-style: chr12-2605173-G-A. GRCh37 (hg19) VCF-style: chr12-2714339-G-A.
Other names: c.3048+5G>A (NM_001167624.3, NM_001167623.2, NM_001167625.2 and 15 more transcripts); c.3108+5G>A (NM_199460.4, NM_001129827.2, NM_001129832.2); c.3039+5G>A (NM_001129844.2).
Identifiers: ClinVar variation 2957129 (VCV002957129.3), dbSNP rs1256574581, ClinGen allele CA602713315.
Genomic context (GRCh38, chr12:2,605,173, plus strand): 5'-GAGTCCTGCGAGTACTCAGGCCCCTGAGGGCCATCAACAGGGCCAAGGGGCTAAAGGTGA[G>A]TTGAGGGCTTGGGTAGGGAGTCTCCAGCCAGCCCATTGGGGAGTGGGAGCTCCACAGAGG-3'

ClinVar aggregate classification (germline): Uncertain significance (1 of 4 stars; one submission).

Conditions:
Long QT syndrome (LQTS). Identifiers: MedGen C0023976, MeSH D008133, MONDO:0002442. Disease mechanism: loss of function. Inheritance: Various modes of inheritance.

Allele frequency attached by ClinVar (database versions not stated): gnomAD exomes below 0.00001.

Submission:

Labcorp Genetics (formerly Invitae), Labcorp
Classification: Uncertain significance for Long QT syndrome. Last evaluated: 2023-03-19. Review status: criteria provided, single submitter. Criteria: Invitae Variant Classification Sherloc (09022015). Collection method: clinical testing. Allele origin: germline.
Comment: In summary, the available evidence is currently insufficient to determine the role of this variant in disease. Therefore, it has been classified as a Variant of Uncertain Significance. Variants that disrupt the consensus splice site are a relatively common cause of aberrant splicing (PMID: 17576681, 9536098). Algorithms developed to predict the effect of sequence changes on RNA splicing suggest that this variant is not likely to affect RNA splicing. This variant has not been reported in the literature in individuals affected with CACNA1C-related conditions. This variant is present in population databases (no rsID available, gnomAD 0.0009%). This sequence change falls in intron 23 of the CACNA1C gene. It does not directly change the encoded amino acid sequence of the CACNA1C protein. It affects a nucleotide within the consensus splice site.

Literature cited by the submitters: PubMed 17576681; PubMed 9536098.